The following is an entry in ClinVar:

NM_001003787.4(STRADA):c.401G>A (p.Arg134Gln)

Gene: STRADA (STE20 related adaptor alpha; minus strand). Cytogenetic location: 17q23.3.
Variant type: single nucleotide variant.
Coding change: c.401G>A on transcript NM_001003787.4 (MANE Select); coding-DNA position 401, G replaced by A.
Protein change: p.Arg134Gln; replaces arginine 134 with glutamine.
Molecular consequence: missense variant. On other transcripts: non-coding transcript variant (1).
Genome position (GRCh38, 1-based): chr17:63,710,784, C>T on the plus strand (G>A on the coding strand, the complement: STRADA is on the minus strand). VCF-style: chr17-63710784-C-T. GRCh37 (hg19) VCF-style: chr17-61788144-C-T.
Other names: c.290G>A, p.Arg97Gln (NM_001003786.3, NM_001363789.1, NM_153335.6); c.227G>A, p.Arg76Gln (NM_001003788.3, NM_001363790.1, NM_001363791.1); c.314G>A, p.Arg105Gln (NM_001165969.2, NM_001363787.1); c.269G>A, p.Arg90Gln (NM_001165970.2); c.377G>A, p.Arg126Gln (NM_001363786.1); c.401G>A, p.Arg134Gln (NM_001363788.1); short protein forms R76Q, R126Q, R134Q, R105Q, R90Q, R97Q.
Identifiers: ClinVar variation 1389022 (VCV001389022.8), dbSNP rs141081057, ClinGen allele CA8703399.
Genomic context (GRCh38, chr17:63,710,784, plus strand): 5'-TCACCGTATGCCATGAATGATGTGACAACCCACAGCTCATTGTCTGCAATAAAAGTGGCT[C>T]GATATGGCACGATATTGGGATGGTTGAAGAGTTTGGAGACATGCAGCTCGCCCTGGAAGC-3'
Protein context (NP_001003787.1, residues 124-144): LFNHPNIVPY[Arg134Gln]ATFIADNELW

ClinVar aggregate classification (germline): Uncertain significance (1 of 4 stars; one submission).

Conditions:
Polyhydramnios, megalencephaly, and symptomatic epilepsy (PMSE). Also called: PMSE SYNDROME. Identifiers: Orphanet 500533, MedGen C1970203, MONDO:0012611, OMIM 611087.

Allele frequency attached by ClinVar (database versions not stated): ESP Exome Variant Server 0.00008.
gnomAD v4.1: 5 of 1,614,096 alleles (0.00031%); highest among the groups gnomAD compares: South Asian, 0.0033%; no homozygotes.

Submission:

Labcorp Genetics (formerly Invitae), Labcorp
Classification: Uncertain significance for Polyhydramnios, megalencephaly, and symptomatic epilepsy. Last evaluated: 2020-11-03. Review status: criteria provided, single submitter. Criteria: Invitae Variant Classification Sherloc (09022015). Collection method: clinical testing. Allele origin: germline.
Comment: This sequence change replaces arginine with glutamine at codon 134 of the STRADA protein (p.Arg134Gln). The arginine residue is moderately conserved and there is a small physicochemical difference between arginine and glutamine. This variant is present in population databases (rs141081057, ExAC 0.006%). This variant has not been reported in the literature in individuals with STRADA-related conditions. Algorithms developed to predict the effect of missense changes on protein structure and function (SIFT, PolyPhen-2, Align-GVGD) all suggest that this variant is likely to be tolerated, but these predictions have not been confirmed by published functional studies and their clinical significance is uncertain. In summary, the available evidence is currently insufficient to determine the role of this variant in disease. Therefore, it has been classified as a Variant of Uncertain Significance.